The following is an entry in ClinVar:

ClinVar aggregate classification (germline): Pathogenic/Likely pathogenic. Review status: criteria provided, multiple submitters, no conflicts (2 of 4 stars). 3 submissions from 3 submitters: Pathogenic (2); Likely pathogenic (1). Last evaluated 2024-11-20.

Conditions:
Familial hemophagocytic lymphohistiocytosis (FHL). Also called: Hereditary hemophagocytic lymphohistiocytosis; Familial erythrophagocytic lymphohistiocytosis; Familial histiocytic reticulosis. Identifiers: Orphanet 158038, Orphanet 540, MedGen C0272199, MONDO:0015541.
Familial hemophagocytic lymphohistiocytosis 3 (FHL3). Also called: UNC13D-Related Familial Hemophagocytic Lymphohistiocytosis (UNC13D-fHLH). Identifiers: Orphanet 540, MedGen C1837174, MONDO:0012146, OMIM 608898.

gnomAD v4.1: 6 of 1,613,618 alleles (0.00037%); highest among the groups gnomAD compares: East Asian, 0.0067%; no homozygotes.

Submissions (3):

Women's Health and Genetics/Laboratory Corporation of America, LabCorp
Classification: Pathogenic for Familial hemophagocytic lymphohistiocytosis. Last evaluated: 2024-11-20. Review status: criteria provided, single submitter. Criteria: LabCorp Variant Classification Summary - May 2015. Collection method: clinical testing. Allele origin: germline.
Comment: Variant summary: UNC13D c.1241G>T (p.Arg414Leu) results in a non-conservative amino acid change in the encoded protein sequence. Five of five in-silico tools predict a damaging effect of the variant on protein function. The variant allele was found at a frequency of 1.2e-05 in 250726 control chromosomes. c.1241G>T has been reported in the literature in compound heterozygous individuals affected with Familial Hemophagocytic Lymphohistiocytosis (Santoro_2006, Murphy_2016, Zhao_2024). These data indicate that the variant is very likely to be associated with disease. A different variant affecting the same codon has been classified as pathogenic by our lab (c.1240C>T, p.Arg414Cys), supporting the critical relevance of codon 414 to UNC13D protein function. At least one publication reports experimental evidence evaluating an impact on protein function. The most pronounced variant effect results in loss of protein expression in patient-derived peripheral blood mononuclear cells (Murphy_2016). The following publications have been ascertained in the context of this evaluation (PMID: 27164702, 16825436, 37851074). ClinVar contains an entry for this variant (Variation ID: 2736664). Based on the evidence outlined above, the variant was classified as pathogenic.

Labcorp Genetics (formerly Invitae), Labcorp
Classification: Pathogenic for Familial hemophagocytic lymphohistiocytosis 3. Last evaluated: 2023-09-04. Review status: criteria provided, single submitter. Criteria: Invitae Variant Classification Sherloc (09022015). Collection method: clinical testing. Allele origin: germline.
Comment: For these reasons, this variant has been classified as Pathogenic. Studies have shown that this missense change alters UNC13D gene expression (PMID: 27164702). Advanced modeling of protein sequence and biophysical properties (such as structural, functional, and spatial information, amino acid conservation, physicochemical variation, residue mobility, and thermodynamic stability) performed at Invitae indicates that this missense variant is not expected to disrupt UNC13D protein function. This missense change has been observed in individuals with hemophagocytic lymphohistiocytosis (PMID: 16825436, 27164702, 29665027). This variant is present in population databases (rs768171054, gnomAD 0.02%). This sequence change replaces arginine, which is basic and polar, with leucine, which is neutral and non-polar, at codon 414 of the UNC13D protein (p.Arg414Leu).

GeneDx
Classification: Likely pathogenic. Last evaluated: 2023-07-21. Review status: criteria provided, single submitter. Criteria: GeneDx Variant Classification Process June 2021. Collection method: clinical testing. Allele origin: germline. Affected: yes.
Comment: In silico analysis supports that this missense variant has a deleterious effect on protein structure/function; This variant is associated with the following publications: (PMID: 25525159, 29113160, 27164702, 27896523, 16825436)

Literature cited by the submitters: PubMed 16825436 (cited by Women's Health and Genetics/Laboratory Corporation of America, LabCorp and Labcorp Genetics (formerly Invitae), Labcorp); PubMed 37851074 (cited by Women's Health and Genetics/Laboratory Corporation of America, LabCorp); PubMed 27164702 (cited by Women's Health and Genetics/Laboratory Corporation of America, LabCorp and Labcorp Genetics (formerly Invitae), Labcorp); PubMed 29665027 (cited by Labcorp Genetics (formerly Invitae), Labcorp).

NM_199242.3(UNC13D):c.1241G>T (p.Arg414Leu)

Gene: UNC13D (unc-13 homolog D; minus strand). Cytogenetic location: 17q25.1.
Variant type: single nucleotide variant.
Coding change: c.1241G>T on transcript NM_199242.3 (MANE Select); coding-DNA position 1241, G replaced by T.
Protein change: p.Arg414Leu; replaces arginine 414 with leucine.
Molecular consequence: missense variant.
Genome position (GRCh38, 1-based): chr17:75,836,629, C>A on the plus strand (G>T on the coding strand, the complement: UNC13D is on the minus strand). VCF-style: chr17-75836629-C-A. GRCh37 (hg19) VCF-style: chr17-73832710-C-A.
Other names: short protein forms R414L.
Identifiers: ClinVar variation 2736664 (VCV002736664.6), dbSNP rs768171054, ClinGen allele CA8773065.